The following is an entry in ClinVar:

NM_000123.4(ERCC5):c.1855C>T (p.Gln619Ter)

Genes: BIVM-ERCC5 (BIVM-ERCC5 readthrough; plus strand), ERCC5 (ERCC excision repair 5, endonuclease; plus strand). Cytogenetic location: 13q33.1.
Variant type: single nucleotide variant.
Coding change: c.1855C>T on transcript NM_000123.4 (MANE Select); coding-DNA position 1855, C replaced by T.
Protein change: p.Gln619Ter; replaces glutamine 619 with a stop codon.
Molecular consequence: nonsense.
Genome position (GRCh38, 1-based): chr13:102,863,004, C>T. VCF-style: chr13-102863004-C-T. GRCh37 (hg19) VCF-style: chr13-103515354-C-T.
Other names: c.3217C>T, p.Gln1073Ter (NM_001204425.2); short protein forms Q1073*, Q619*.
Identifiers: ClinVar variation 1028077 (VCV001028077.1), dbSNP rs1882701423, ClinGen allele CA388574575.

ClinVar aggregate classification (germline): Pathogenic (1 of 4 stars; one submission).

Conditions:
Cerebrooculofacioskeletal syndrome 3 (COFS3). Identifiers: MedGen C1851443, MONDO:0014696, OMIM 616570.

Submission:

Baylor Genetics
Classification: Pathogenic for Cerebrooculofacioskeletal syndrome 3. Last evaluated: 2020-05-05. Review status: criteria provided, single submitter. Criteria: ACMG Guidelines, 2015. Collection method: clinical testing. Allele origin: unknown. Affected: yes.
Comment: This variant was determined to be pathogenic according to ACMG Guidelines, 2015 [PMID:25741868].